The following is an entry in ClinVar:

NM_000937.5(POLR2A):c.471G>A (p.Gly157=)

Gene: POLR2A (RNA polymerase II subunit A; plus strand). Cytogenetic location: 17p13.1.
Variant type: single nucleotide variant.
Coding change: c.471G>A on transcript NM_000937.5 (MANE Select); coding-DNA position 471, G replaced by A.
Protein change: p.Gly157=; no amino-acid change (glycine 157 retained).
Molecular consequence: synonymous variant.
Genome position (GRCh38, 1-based): chr17:7,496,547, G>A. VCF-style: chr17-7496547-G-A. GRCh37 (hg19) VCF-style: chr17-7399866-G-A.
Identifiers: ClinVar variation 3058920 (VCV003058920.2), dbSNP rs2301609, ClinGen allele CA8349189.

ClinVar aggregate classification (germline): Benign (0 of 4 stars; one submission).

Conditions:
POLR2A-related disorder. Also called: POLR2A-related condition.

Allele frequency attached by ClinVar (database versions not stated): 1000 Genomes Project 0.17153; 1000 Genomes Project 30x 0.17442; gnomAD 0.19097; TOPMed 0.19321; ExAC 0.19729; gnomAD exomes 0.20650; ESP Exome Variant Server 0.20844.

Submission:

PreventionGenetics, part of Exact Sciences
Classification: Benign for POLR2A-related condition. Last evaluated: 2019-11-04. Review status: no assertion criteria provided. Collection method: clinical testing. Allele origin: germline.
Comment: This variant is classified as benign based on ACMG/AMP sequence variant interpretation guidelines (Richards et al. 2015 PMID: 25741868, with internal and published modifications).